The following is an entry in ClinVar:

ClinVar aggregate classification (germline): Uncertain significance. Review status: criteria provided, multiple submitters, no conflicts (2 of 4 stars). 3 submissions from 3 submitters: Uncertain significance (2). 1 of the submissions does not count toward it. Last evaluated 2025-05-04.

Conditions:
Inborn genetic diseases. Identifiers: MedGen C0950123, MeSH D030342.
CFB-related disorder. Also called: CFB-related condition; CFB-related disorders.

Allele frequency attached by ClinVar (database versions not stated): TOPMed below 0.00001; gnomAD 0.00002.
gnomAD v4.1: 38 of 1,612,968 alleles (0.0024%); highest among the groups gnomAD compares: Admixed American, 0.005%; no homozygotes.

Submissions (3):

Ambry Genetics
Classification: Uncertain significance for Inborn genetic diseases. Last evaluated: 2025-05-04. Review status: criteria provided, single submitter. Criteria: Ambry Variant Classification Scheme 2023. Collection method: clinical testing. Allele origin: germline.

Labcorp Genetics (formerly Invitae), Labcorp
Classification: Uncertain significance. Last evaluated: 2022-09-13. Review status: criteria provided, single submitter. Criteria: Invitae Variant Classification Sherloc (09022015). Collection method: clinical testing. Allele origin: germline.
Comment: In summary, the available evidence is currently insufficient to determine the role of this variant in disease. Therefore, it has been classified as a Variant of Uncertain Significance. This sequence change replaces valine, which is neutral and non-polar, with methionine, which is neutral and non-polar, at codon 61 of the CFB protein (p.Val61Met). This variant is present in population databases (rs749762077, gnomAD 0.004%). This variant has not been reported in the literature in individuals affected with CFB-related conditions. Advanced modeling of protein sequence and biophysical properties (such as structural, functional, and spatial information, amino acid conservation, physicochemical variation, residue mobility, and thermodynamic stability) performed at Invitae indicates that this missense variant is not expected to disrupt CFB protein function. Algorithms developed to predict the effect of sequence changes on RNA splicing suggest that this variant may disrupt the consensus splice site.

PreventionGenetics, part of Exact Sciences
Classification: Uncertain significance for CFB-related condition. Last evaluated: 2024-01-23. Review status: no assertion criteria provided. Collection method: clinical testing. Allele origin: germline. Not counted in ClinVar's aggregate classification.
Comment: The CFB c.181G>A variant is predicted to result in the amino acid substitution p.Val61Met. To our knowledge, this variant has not been reported in the literature. This variant is reported in 0.0048% of alleles in individuals of European (Non-Finnish) descent in gnomAD. At this time, the clinical significance of this variant is uncertain due to the absence of conclusive functional and genetic evidence.

NM_001710.6(CFB):c.181G>A (p.Val61Met)

Gene: CFB (complement factor B; plus strand). Cytogenetic location: 6p21.33.
Variant type: single nucleotide variant.
Coding change: c.181G>A on transcript NM_001710.6 (MANE Select); coding-DNA position 181, G replaced by A.
Protein change: p.Val61Met; replaces valine 61 with methionine.
Molecular consequence: missense variant.
Genome position (GRCh38, 1-based): chr6:31,946,489, G>A. VCF-style: chr6-31946489-G-A. GRCh37 (hg19) VCF-style: chr6-31914266-G-A.
Other names: short protein forms V61M.
Identifiers: ClinVar variation 2145572 (VCV002145572.7), dbSNP rs749762077, ClinGen allele CA3727961.